The following is an entry in ClinVar:

NM_024757.5(EHMT1):c.29C>T (p.Pro10Leu)

Gene: EHMT1 (euchromatic histone lysine methyltransferase 1; plus strand). Cytogenetic location: 9q34.3.
Variant type: single nucleotide variant.
Coding change: c.29C>T on transcript NM_024757.5 (MANE Select); coding-DNA position 29, C replaced by T.
Protein change: p.Pro10Leu; replaces proline 10 with leucine.
Molecular consequence: missense variant. On other transcripts: intron variant (2).
Genome position (GRCh38, 1-based): chr9:137,710,974, C>T. VCF-style: chr9-137710974-C-T. GRCh37 (hg19) VCF-style: chr9-140605426-C-T.
Other names: c.29C>T, p.Pro10Leu (NM_001145527.2, NM_001354263.2, NM_001354611.2); c.-8-5652C>T (NM_001354259.2, NM_001354612.2); short protein forms P10L.
Identifiers: ClinVar variation 3902553 (VCV003902553.1).

ClinVar aggregate classification (germline): Uncertain significance (1 of 4 stars; one submission).

gnomAD v4.1: 16 of 1,597,450 alleles (0.001%); highest among the groups gnomAD compares: Non-Finnish European, 0.0012%; no homozygotes.

Submission:

Women's Health and Genetics/Laboratory Corporation of America, LabCorp
Classification: Uncertain significance. Last evaluated: 2025-05-02. Review status: criteria provided, single submitter. Criteria: LabCorp Variant Classification Summary - May 2015. Collection method: clinical testing. Allele origin: germline.
Comment: Variant summary: EHMT1 c.29C>T (p.Pro10Leu) results in a non-conservative amino acid change in the encoded protein sequence. Algorithms developed to predict the effect of missense changes on protein structure and function are either unavailable or do not agree on the potential impact of this missense change. The frequency data for this variant in gnomAD is considered unreliable, as metrics indicate poor data quality at this position. To our knowledge, no occurrence of c.29C>T in individuals affected with Kleefstra Syndrome 1 and no experimental evidence demonstrating its impact on protein function have been reported. No submitters have cited clinical-significance assessments for this variant to ClinVar. Based on the evidence outlined above, the variant was classified as uncertain significance.